The following is an entry in ClinVar:

ClinVar aggregate classification (germline): Uncertain significance (1 of 4 stars; one submission).

Submission:

GeneDx
Classification: Uncertain significance. Last evaluated: 2022-09-12. Review status: criteria provided, single submitter. Criteria: GeneDx Variant Classification Process June 2021. Collection method: clinical testing. Allele origin: germline. Affected: yes.
Comment: Not observed at significant frequency in large population cohorts (gnomAD); In silico analysis supports that this missense variant has a deleterious effect on protein structure/function; Has not been previously published as pathogenic or benign to our knowledge

NM_000875.5(IGF1R):c.3523C>T (p.Pro1175Ser)

Gene: IGF1R (insulin like growth factor 1 receptor; plus strand). Cytogenetic location: 15q26.3.
Variant type: single nucleotide variant.
Coding change: c.3523C>T on transcript NM_000875.5 (MANE Select); coding-DNA position 3523, C replaced by T.
Protein change: p.Pro1175Ser; replaces proline 1175 with serine.
Molecular consequence: missense variant.
Genome position (GRCh38, 1-based): chr15:98,942,988, C>T. VCF-style: chr15-98942988-C-T. GRCh37 (hg19) VCF-style: chr15-99486217-C-T.
Other names: c.3520C>T, p.Pro1174Ser (NM_001291858.2); short protein forms P1174S, P1175S.
Identifiers: ClinVar variation 2443505 (VCV002443505.1), dbSNP rs2151719120, ClinGen allele CA393661567.